The following is an entry in ClinVar:

ClinVar aggregate classification (germline): Pathogenic (1 of 4 stars; one submission).

Conditions:
ALG9 congenital disorder of glycosylation (CDG1L). Also called: CONGENITAL DISORDER OF GLYCOSYLATION, TYPE Il; CDG Il; ALG9-CDG. Identifiers: Orphanet 79328, MedGen C2931006, MONDO:0012117, OMIM 608776.

Submission:

Labcorp Genetics (formerly Invitae), Labcorp
Classification: Pathogenic for ALG9 congenital disorder of glycosylation. Last evaluated: 2019-10-14. Review status: criteria provided, single submitter. Criteria: Invitae Variant Classification Sherloc (09022015). Collection method: clinical testing. Allele origin: germline.
Comment: This sequence change affects a donor splice site in intron 13 of the ATP6V0A2 gene. It is expected to disrupt RNA splicing and likely results in an absent or disrupted protein product. This variant is not present in population databases (ExAC no frequency). This variant has been observed in individuals affected with ATP6V0A2-related conditions (PMID: 23963297, Invitae). Algorithms developed to predict the effect of sequence changes on RNA splicing suggest that this variant may disrupt the consensus splice site, but this prediction has not been confirmed by published transcriptional studies. Donor and acceptor splice site variants typically lead to a loss of protein function (PMID: 16199547), and loss-of-function variants in ATP6V0A2 are known to be pathogenic (PMID: 18157129, 19321599). For these reasons, this variant has been classified as Pathogenic.

Literature cited by the submitters: PubMed 23963297; PubMed 16199547; PubMed 18157129; PubMed 19321599.

NM_012463.4(ATP6V0A2):c.1605+1G>A

Gene: ATP6V0A2 (ATPase H+ transporting V0 subunit a2; plus strand). Cytogenetic location: 12q24.31.
Variant type: single nucleotide variant.
Coding change: c.1605+1G>A on transcript NM_012463.4 (MANE Select); the canonical splice donor site of the intron after coding-DNA position 1605, G replaced by A.
Molecular consequence: splice donor variant.
Genome position (GRCh38, 1-based): chr12:123,744,973, G>A. VCF-style: chr12-123744973-G-A. GRCh37 (hg19) VCF-style: chr12-124229520-G-A.
Identifiers: ClinVar variation 967453 (VCV000967453.10), dbSNP rs1956646992, ClinGen allele CA387158818.